The following is an entry in ClinVar:

ClinVar aggregate classification (germline): Conflicting classifications of pathogenicity. Review status: criteria provided, conflicting classifications (1 of 4 stars). 2 submissions from 2 submitters: Uncertain significance (1); Likely benign (1). Last evaluated 2026-08-06.

Conditions:
Intervertebral disc disorder (IDD). Also called: Lumbar disk degenerative disorder; INTERVERTEBRAL DISC DISEASE. Identifiers: MedGen C0158252, MONDO:0044339, OMIM 603932.

Allele frequency attached by ClinVar (database versions not stated): gnomAD exomes below 0.00001 and 0.00001; TOPMed below 0.00001.
gnomAD v4.1: 5 of 1,613,872 alleles (0.00031%); highest among the groups gnomAD compares: Middle Eastern, 0.033%; no homozygotes.

Submissions (2):

OLLIN Analises Genomicas, OLLIN
Classification: Uncertain significance for Intervertebral disc disorder. Last evaluated: 2026-08-06. Review status: criteria provided, single submitter. Criteria: ACMG Guidelines 2015 PMID 25741868. Collection method: clinical testing. Allele origin: germline.
Comment: This missense variant, located in exon 63 (of 67), has been reported in ClinVar (accession VCV001479852.6) and in gnomAD with an allele frequency of 0.00031%. However, to our knowledge, it has not been reported in the scientific literature. In silico analysis predicts that this variant has a tolerated effect. According to the currently available evidence, this variant has been classified as uncertain significance (PM2_P, BP4_M).

Labcorp Genetics (formerly Invitae), Labcorp
Classification: Likely benign. Last evaluated: 2023-05-13. Review status: criteria provided, single submitter. Criteria: Invitae Variant Classification Sherloc (09022015). Collection method: clinical testing. Allele origin: germline.

NM_001854.4(COL11A1):c.4679G>A (p.Gly1560Asp)

Gene: COL11A1 (collagen type XI alpha 1 chain; minus strand). Cytogenetic location: 1p21.1.
Variant type: single nucleotide variant.
Coding change: c.4679G>A on transcript NM_001854.4 (MANE Select); coding-DNA position 4679, G replaced by A.
Protein change: p.Gly1560Asp; replaces glycine 1560 with aspartic acid.
Molecular consequence: missense variant. On other transcripts: non-coding transcript variant (1).
Genome position (GRCh38, 1-based): chr1:102,886,986, C>T on the plus strand (G>A on the coding strand, the complement: COL11A1 is on the minus strand). VCF-style: chr1-102886986-C-T. GRCh37 (hg19) VCF-style: chr1-103352542-C-T.
Other names: c.4562G>A, p.Gly1521Asp (NM_001190709.2); c.4715G>A, p.Gly1572Asp (NM_080629.3); c.4331G>A, p.Gly1444Asp (NM_080630.4); short protein forms G1444D, G1521D, G1560D, G1572D.
Identifiers: ClinVar variation 1479852 (VCV001479852.7), dbSNP rs1465324011, ClinGen allele CA341212099.
Genomic context (GRCh38, chr1:102,886,986, plus strand): 5'-AATATTTCTTCCATTCCATCCGAGTAATCAAGAATATTATCATCTGCATCTGCTTGCATG[C>T]CTTCAGTATGTCTTCTCGTTTTTTTGGAGGACAAGATTGGTAAAGGCTGAATGACTTCAC-3'
Protein context (NP_001845.3, residues 1550-1570): SSKKTRRHTE[Gly1560Asp]MQADADDNIL